The following is an entry in ClinVar:

ClinVar aggregate classification (germline): Uncertain significance (1 of 4 stars; one submission).

Submission:

GeneDx
Classification: Uncertain significance. Last evaluated: 2025-09-02. Review status: criteria provided, single submitter. Criteria: GeneDx Variant Classification Process June 2021. Collection method: clinical testing. Allele origin: germline.
Comment: Not observed at significant frequency in large population cohorts (gnomAD); In silico analysis supports that this missense variant has a deleterious effect on protein structure/function; Has not been previously published as pathogenic or benign to our knowledge

NM_022893.4(BCL11A):c.2256G>C (p.Lys752Asn)

Gene: BCL11A (BCL11 transcription factor A; minus strand). Cytogenetic location: 2p16.1.
Variant type: single nucleotide variant.
Coding change: c.2256G>C on transcript NM_022893.4 (MANE Select); coding-DNA position 2256, G replaced by C.
Protein change: p.Lys752Asn; replaces lysine 752 with asparagine.
Molecular consequence: missense variant. On other transcripts: intron variant (13).
Genome position (GRCh38, 1-based): chr2:60,460,656, C>G on the plus strand (G>C on the coding strand, the complement: BCL11A is on the minus strand). VCF-style: chr2-60460656-C-G. GRCh37 (hg19) VCF-style: chr2-60687791-C-G.
Other names: c.2154G>C, p.Lys718Asn (NM_001363864.1, NM_001365609.1, NM_001405711.1 and 1 more transcripts); c.2256G>C, p.Lys752Asn (NM_001405708.1, NM_001405709.1, NM_001405710.1); c.2100G>C, p.Lys700Asn (NM_001405713.1, NM_001405714.1, NM_001405715.1 and 1 more transcripts); c.1998G>C, p.Lys666Asn (NM_001405717.1, NM_001405718.1); c.1923G>C, p.Lys641Asn (NM_001405720.1, NM_001405721.1); c.1800G>C, p.Lys600Asn (NM_001405725.1, NM_001405726.1, NM_001405727.1 and 1 more transcripts); c.1563G>C, p.Lys521Asn (NM_001405729.1); c.630+1626G>C (NM_138559.2, NM_001405732.1); and 9 more; short protein forms K521N, K600N, K641N, K666N, K700N, K718N, K752N.
Identifiers: ClinVar variation 2576810 (VCV002576810.2), dbSNP rs2466201470, ClinGen allele CA347036223.